The following is an entry in ClinVar:

ClinVar aggregate classification (germline): Likely benign (1 of 4 stars; one submission).

Submission:

CeGaT Center for Human Genetics Tuebingen
Classification: Likely benign. Last evaluated: 2023-12-01. Review status: criteria provided, single submitter. Criteria: CeGaT Center For Human Genetics Tuebingen Variant Classification Criteria Version 2. Collection method: clinical testing. Allele origin: germline. Affected: yes. Observed: 1 variant allele.
Comment: USP8: PM2:Supporting, BP4, BP7

NM_005154.5(USP8):c.2835A>T (p.Thr945=)

Genes: USP50 (ubiquitin specific peptidase 50; minus strand), USP8 (ubiquitin specific peptidase 8; plus strand). Cytogenetic location: 15q21.2.
Variant type: single nucleotide variant.
Coding change: c.2835A>T on transcript NM_005154.5 (MANE Select); coding-DNA position 2835, A replaced by T.
Protein change: p.Thr945=; no amino-acid change (threonine 945 retained).
Molecular consequence: synonymous variant.
Genome position (GRCh38, 1-based): chr15:50,496,024, A>T. VCF-style: chr15-50496024-A-T. GRCh37 (hg19) VCF-style: chr15-50788221-A-T.
Other names: c.2835A>T, p.Thr945= (NM_001128610.3); c.2517A>T, p.Thr839= (NM_001283049.2).
Identifiers: ClinVar variation 3026574 (VCV003026574.22), dbSNP rs2052386455, ClinGen allele CA490561961.